The following is an entry in ClinVar:

ClinVar aggregate classification (germline): Uncertain significance (1 of 4 stars; one submission).

Submission:

Labcorp Genetics (formerly Invitae), Labcorp
Classification: Uncertain significance. Last evaluated: 2025-06-22. Review status: criteria provided, single submitter. Criteria: Invitae Variant Classification Sherloc (09022015). Collection method: clinical testing. Allele origin: germline.
Comment: This sequence change creates a premature translational stop signal (p.Phe117Leufs*27) in the GPR45 gene. While this is not anticipated to result in nonsense mediated decay, it is expected to disrupt the last 256 amino acid(s) of the GPR45 protein. This variant is not present in population databases (gnomAD no frequency). This variant has not been reported in the literature in individuals affected with GPR45-related conditions. In summary, the available evidence is currently insufficient to determine the role of this variant in disease. Therefore, it has been classified as a Variant of Uncertain Significance.

NM_007227.3(GPR45):c.351del (p.Phe117fs)

Gene: GPR45 (G protein-coupled receptor 45; plus strand). Cytogenetic location: 2q12.1.
Variant type: Deletion.
Coding change: c.351del on transcript NM_007227.3 (MANE Select); coding-DNA position 351, one base deleted (T; older notation c.351delT).
Protein change: p.Phe117fs; shifts the reading frame from phenylalanine 117.
Molecular consequence: frameshift variant.
Genome position (GRCh38, 1-based): chr2:105,242,209, T deleted; the last of 6 consecutive T bases (chr2:105,242,204-105,242,209); deleting any one gives the same sequence. VCF-style (leftmost placement, unchanged base first): chr2-105242203-GT-G. GRCh37 (hg19) VCF-style: chr2-105858660-GT-G.
Other names: short protein forms F117fs.
Identifiers: ClinVar variation 4721549 (VCV004721549.1).